The following is an entry in ClinVar:

NM_003924.4(PHOX2B):c.178C>T (p.Leu60Phe)

Genes: PHOX2B (paired like homeobox 2B; minus strand), PHOX2B-AS1 (PHOX2B antisense RNA 1; plus strand). Cytogenetic location: 4p13.
Variant type: single nucleotide variant.
Coding change: c.178C>T on transcript NM_003924.4 (MANE Select); coding-DNA position 178, C replaced by T.
Protein change: p.Leu60Phe; replaces leucine 60 with phenylalanine.
Molecular consequence: missense variant.
Genome position (GRCh38, 1-based): chr4:41,748,433, G>A on the plus strand (C>T on the coding strand, the complement: PHOX2B is on the minus strand). VCF-style: chr4-41748433-G-A. GRCh37 (hg19) VCF-style: chr4-41750450-G-A.
Other names: c.178C>T (NM_003924.3); short protein forms L60F.
Identifiers: ClinVar variation 1363434 (VCV001363434.7), dbSNP rs2153113052, ClinGen allele CA356740913.
Genomic context (GRCh38, chr4:41,748,433, plus strand): 5'-CGGCGTACGGACTGCTCTGGTGGTCCCTGAGGGTGCCCAGGCTGCAGGATCCCGGCGTGA[G>A]GGAAGGGCAGCCGGACGTGGCCCCAAAAGTGGTCCTTATCGGGTTATACTGGAAGCCACT-3'
Protein context (NP_003915.2, residues 50-70): TFGATSGCPS[Leu60Phe]TPGSCSLGTL

ClinVar aggregate classification (germline): Uncertain significance. Review status: criteria provided, multiple submitters, no conflicts (2 of 4 stars). 2 submissions from 2 submitters: Uncertain significance (2). Last evaluated 2026-07-07.

Conditions:
Hereditary cancer-predisposing syndrome. Also called: Hereditary Cancer Syndrome; Neoplastic Syndromes, Hereditary; Hereditary neoplastic syndrome; Tumor predisposition. Identifiers: Orphanet 140162, MedGen C0027672, MeSH D009386, MONDO:0015356.
Haddad syndrome (OHD). Also called: Ondine-Hirschsprung disease. Identifiers: Orphanet 99803, MedGen C1859049, MONDO:0020493.

gnomAD v4.1: 1 of 1,614,142 alleles (0.000062%); highest among the groups gnomAD compares: Non-Finnish European, 0.000085%; no homozygotes.

Submissions (2):

Ambry Genetics
Classification: Uncertain significance for Hereditary cancer-predisposing syndrome. Last evaluated: 2026-07-07. Review status: criteria provided, single submitter. Criteria: Ambry Variant Classification Scheme 2023. Collection method: clinical testing. Allele origin: germline.
Comment: The p.L60F variant (also known as c.178C>T), located in coding exon 1 of the PHOX2B gene, results from a C to T substitution at nucleotide position 178. The leucine at codon 60 is replaced by phenylalanine, an amino acid with highly similar properties. This amino acid position is conserved. In addition, the in silico prediction for this alteration is inconclusive. Based on the available evidence, the clinical significance of this variant remains unclear.

Labcorp Genetics (formerly Invitae), Labcorp
Classification: Uncertain significance for Haddad syndrome. Last evaluated: 2023-07-03. Review status: criteria provided, single submitter. Criteria: Invitae Variant Classification Sherloc (09022015). Collection method: clinical testing. Allele origin: germline.
Comment: In summary, the available evidence is currently insufficient to determine the role of this variant in disease. Therefore, it has been classified as a Variant of Uncertain Significance. Advanced modeling of protein sequence and biophysical properties (such as structural, functional, and spatial information, amino acid conservation, physicochemical variation, residue mobility, and thermodynamic stability) performed at Invitae indicates that this missense variant is not expected to disrupt PHOX2B protein function. ClinVar contains an entry for this variant (Variation ID: 1363434). This variant has not been reported in the literature in individuals affected with PHOX2B-related conditions. This variant is not present in population databases (gnomAD no frequency). This sequence change replaces leucine, which is neutral and non-polar, with phenylalanine, which is neutral and non-polar, at codon 60 of the PHOX2B protein (p.Leu60Phe).